The following is an entry in ClinVar:

ClinVar aggregate classification (germline): Likely benign (1 of 4 stars; one submission).

Conditions:
LEPR-related disorder. Also called: LEPR-related disorders; LEPR-related condition.

Submission:

PreventionGenetics, part of Exact Sciences
Classification: Likely benign for LEPR-related condition. Last evaluated: 2025-09-09. Review status: criteria provided, single submitter. Criteria: ACMG Guidelines, 2015. Collection method: clinical testing. Allele origin: germline.
Comment: This variant is classified as likely benign based on ACMG/AMP sequence variant interpretation guidelines (Richards et al. 2015 PMID: 25741868, with internal and published modifications).

NM_002303.6(LEPR):c.3487C>T (p.Leu1163=)

Gene: LEPR (leptin receptor; plus strand). Cytogenetic location: 1p31.3.
Variant type: single nucleotide variant.
Coding change: c.3487C>T on transcript NM_002303.6 (MANE Select); coding-DNA position 3487, C replaced by T.
Protein change: p.Leu1163=; no amino-acid change (leucine 1163 retained).
Molecular consequence: synonymous variant.
Genome position (GRCh38, 1-based): chr1:65,637,004, C>T. VCF-style: chr1-65637004-C-T. GRCh37 (hg19) VCF-style: chr1-66102687-C-T.
Identifiers: ClinVar variation 4992417 (VCV004992417.1).